The following is an entry in ClinVar:

ClinVar aggregate classification (germline): Likely benign (1 of 4 stars; one submission).

Submission:

GeneDx
Classification: Likely benign. Last evaluated: 2016-12-30. Review status: criteria provided, single submitter. Criteria: GeneDx Variant Classification (06012015). Collection method: clinical testing. Allele origin: germline. Affected: yes.
Comment: This variant is considered likely benign or benign based on one or more of the following criteria: it is a conservative change, it occurs at a poorly conserved position in the protein, it is predicted to be benign by multiple in silico algorithms, and/or has population frequency not consistent with disease.

NM_001243133.2(NLRP3):c.2151-16T>A

Gene: NLRP3 (NLR family pyrin domain containing 3; plus strand). Cytogenetic location: 1q44.
Variant type: single nucleotide variant.
Coding change: c.2151-16T>A on transcript NM_001243133.2 (MANE Select); 16 bases into the intron before coding-DNA position 2151, T replaced by A.
Molecular consequence: intron variant.
Genome position (GRCh38, 1-based): chr1:247,429,569, T>A. VCF-style: chr1-247429569-T-A. GRCh37 (hg19) VCF-style: chr1-247592871-T-A.
Other names: c.2157-16T>A (NM_004895.5); c.2151-16T>A (NM_001127461.3, NM_001079821.3); c.2150+3970T>A (NM_001127462.3, NM_183395.3).
Identifiers: ClinVar variation 392374 (VCV000392374.1), dbSNP rs1057524463, ClinGen allele CA16603680.